The following is an entry in ClinVar:

NM_000321.3(RB1):c.2161_2165del (p.Phe721fs)

Gene: RB1 (RB transcriptional corepressor 1; plus strand). Cytogenetic location: 13q14.2.
Variant type: Deletion.
Coding change: c.2161_2165del on transcript NM_000321.3 (MANE Select); coding-DNA positions 2161 to 2165, 5 bases deleted (TTCAA; older notation c.2161_2165delTTCAA).
Protein change: p.Phe721fs; shifts the reading frame from phenylalanine 721.
Molecular consequence: frameshift variant.
Genome position (GRCh38, 1-based): chr13:48,463,785-48,463,789, TTCAA deleted; deleting any 5 consecutive bases within chr13:48,463,783-48,463,789 gives the same sequence; the c. name uses the placement nearest the transcript's 3' end. VCF-style (leftmost placement, unchanged base first): chr13-48463782-AAATTC-A. GRCh37 (hg19) VCF-style: chr13-49037918-AAATTC-A.
Other names: c.2161_2165del, p.Phe721fs (NM_001407165.1); short protein forms F721fs.
Identifiers: ClinVar variation 4530686 (VCV004530686.2).

ClinVar aggregate classification (germline): Likely pathogenic (1 of 4 stars; one submission).

Conditions:
Retinoblastoma (RB1). Also called: RETINOBLASTOMA, SOMATIC. Identifiers: Orphanet 790, MedGen C0035335, MeSH D012175, MONDO:0008380, OMIM 180200, HP:0009919. Disease mechanism: loss of function. Inheritance: Both sporadic and heritable forms are tested..

Submission:

Exogen Genetic Diagnosis
Classification: Likely pathogenic for Retinoblastoma. Last evaluated: 2025-10-20. Review status: criteria provided, single submitter. Criteria: ACMG Guidelines, 2015. Collection method: clinical testing. Allele origin: de novo. Affected: yes.
Comment: The RB1 NM_000321.3:c.2161_21 deletion is caused by frameshift and premature termination codon introduction at p.Phe721AsnfsTer28. This deletion affects the reading frame and is predicted to generate loss-of-function for RB1. Loss-of-function variants for RB1 are known to cause hereditary retinoblastoma. This variant is absent within population databases and provides support for its rarity and potential to act as a disease-causing variant. Nothing has been identified to support its benign consequence.